The following is an entry in ClinVar:

ClinVar aggregate classification (germline): Uncertain significance (1 of 4 stars; one submission).

Submission:

GeneDx
Classification: Uncertain significance. Last evaluated: 2024-09-11. Review status: criteria provided, single submitter. Criteria: GeneDx Variant Classification Process June 2021. Collection method: clinical testing. Allele origin: germline. Affected: yes.
Comment: Not observed at significant frequency in large population cohorts (gnomAD); In silico analysis indicates that this missense variant does not alter protein structure/function; Has not been previously published as pathogenic or benign to our knowledge

NM_014727.3(KMT2B):c.6664C>G (p.Pro2222Ala)

Gene: KMT2B (lysine methyltransferase 2B; plus strand). Cytogenetic location: 19q13.12.
Variant type: single nucleotide variant.
Coding change: c.6664C>G on transcript NM_014727.3 (MANE Select); coding-DNA position 6664, C replaced by G.
Protein change: p.Pro2222Ala; replaces proline 2222 with alanine.
Molecular consequence: missense variant.
Genome position (GRCh38, 1-based): chr19:35,733,213, C>G. VCF-style: chr19-35733213-C-G. GRCh37 (hg19) VCF-style: chr19-36224114-C-G.
Other names: short protein forms P2222A.
Identifiers: ClinVar variation 3769974 (VCV003769974.1).